The following is an entry in ClinVar:

NM_000051.4(ATM):c.8044A>G (p.Thr2682Ala)

Genes: ATM (ATM serine/threonine kinase; plus strand), C11orf65 (chromosome 11 open reading frame 65; minus strand). Cytogenetic location: 11q22.3.
Variant type: single nucleotide variant.
Coding change: c.8044A>G on transcript NM_000051.4 (MANE Select); coding-DNA position 8044, A replaced by G.
Protein change: p.Thr2682Ala; replaces threonine 2682 with alanine.
Molecular consequence: missense variant. On other transcripts: intron variant (2).
Genome position (GRCh38, 1-based): chr11:108,335,002, A>G. VCF-style: chr11-108335002-A-G. GRCh37 (hg19) VCF-style: chr11-108205729-A-G.
Other names: c.8044A>G, p.Thr2682Ala (NM_001351834.2); c.641-25931T>C (NM_001330368.2); c.*38+218T>C (NM_001351110.2); short protein forms T2682A.
Identifiers: ClinVar variation 939076 (VCV000939076.15), dbSNP rs730881320, ClinGen allele CA382561903.

ClinVar aggregate classification (germline): Uncertain significance. Review status: criteria provided, multiple submitters, no conflicts (2 of 4 stars). 4 submissions from 4 submitters: Uncertain significance (4). Last evaluated 2024-12-23.

Conditions:
Hereditary cancer-predisposing syndrome. Also called: Tumor predisposition; Neoplastic Syndromes, Hereditary; Hereditary neoplastic syndrome; Hereditary Cancer Syndrome. Identifiers: Orphanet 140162, MedGen C0027672, MeSH D009386, MONDO:0015356.
Familial cancer of breast. Also called: Hereditary breast cancer; hereditary breast carcinoma; BREAST CANCER, FAMILIAL. Identifiers: Orphanet 227535, MedGen C0346153, MONDO:0016419, OMIM 114480. Disease mechanism: loss of function.
Ataxia-telangiectasia syndrome (AT). Also called: Ataxia-telangiectasia, complementation group D; AT, COMPLEMENTATION GROUP C; ATAXIA-TELANGIECTASIA, COMPLEMENTATION GROUP A; ATAXIA-TELANGIECTASIA, FRESNO VARIANT; Ataxia-telangiectasia; Ataxia telangiectasia (A-T). Identifiers: Orphanet 100, MedGen C0004135, MONDO:0008840, OMIM 208900.

gnomAD v4.1: 1 of 1,613,696 alleles (0.000062%); highest among the groups gnomAD compares: Non-Finnish European, 0.000085%; no homozygotes.

Submissions (4):

Ambry Genetics
Classification: Uncertain significance for Hereditary cancer-predisposing syndrome. Last evaluated: 2024-12-23. Review status: criteria provided, single submitter. Criteria: Ambry Variant Classification Scheme 2023. Collection method: clinical testing. Allele origin: germline.
Comment: The p.T2682A variant (also known as c.8044A>G), located in coding exon 54 of the ATM gene, results from an A to G substitution at nucleotide position 8044. The threonine at codon 2682 is replaced by alanine, an amino acid with similar properties. This amino acid position is highly conserved in available vertebrate species. In addition, this alteration is predicted to be deleterious by in silico analysis. Based on the available evidence, the clinical significance of this variant remains unclear.

Color Diagnostics, LLC DBA Color Health
Classification: Uncertain significance for Hereditary cancer-predisposing syndrome. Last evaluated: 2023-06-26. Review status: criteria provided, single submitter. Criteria: ACMG Guidelines, 2015. Collection method: clinical testing. Allele origin: germline.
Comment: This missense variant replaces threonine with alanine at codon 2682 of the ATM protein. Computational prediction is inconclusive regarding the impact of this variant on protein structure and function (internally defined REVEL score threshold 0.5 < inconclusive < 0.7, PMID: 27666373). To our knowledge, functional studies have not been reported for this variant. This variant has not been reported in individuals affected with ATM-related disorders in the literature. This variant has not been identified in the general population by the Genome Aggregation Database (gnomAD). The available evidence is insufficient to determine the role of this variant in disease conclusively. Therefore, this variant is classified as a Variant of Uncertain Significance.

Baylor Genetics
Classification: Uncertain significance for Familial cancer of breast. Last evaluated: 2023-06-20. Review status: criteria provided, single submitter. Criteria: ACMG Guidelines, 2015. Collection method: clinical testing. Allele origin: unknown.

Labcorp Genetics (formerly Invitae), Labcorp
Classification: Uncertain significance for Ataxia-telangiectasia syndrome. Last evaluated: 2022-12-16. Review status: criteria provided, single submitter. Criteria: Invitae Variant Classification Sherloc (09022015). Collection method: clinical testing. Allele origin: germline.
Comment: This sequence change replaces threonine, which is neutral and polar, with alanine, which is neutral and non-polar, at codon 2682 of the ATM protein (p.Thr2682Ala). This variant is not present in population databases (gnomAD no frequency). This variant has not been reported in the literature in individuals affected with ATM-related conditions. ClinVar contains an entry for this variant (Variation ID: 939076). Algorithms developed to predict the effect of missense changes on protein structure and function are either unavailable or do not agree on the potential impact of this missense change (SIFT: "Tolerated"; PolyPhen-2: "Possibly Damaging"; Align-GVGD: "Class C0"). In summary, the available evidence is currently insufficient to determine the role of this variant in disease. Therefore, it has been classified as a Variant of Uncertain Significance.